The following is an entry in ClinVar:

NM_003073.5(SMARCB1):c.517C>T (p.Pro173Ser)

Gene: SMARCB1 (SWI/SNF related BAF chromatin remodeling complex subunit B1; plus strand). Cytogenetic location: 22q11.23.
Variant type: single nucleotide variant.
Coding change: c.517C>T on transcript NM_003073.5 (MANE Select); coding-DNA position 517, C replaced by T.
Protein change: p.Pro173Ser; replaces proline 173 with serine.
Molecular consequence: missense variant.
Genome position (GRCh38, 1-based): chr22:23,803,311, C>T. VCF-style: chr22-23803311-C-T. GRCh37 (hg19) VCF-style: chr22-24145498-C-T.
Other names: c.490C>T, p.Pro164Ser (NM_001007468.3); c.544C>T, p.Pro182Ser (NM_001317946.2); c.571C>T, p.Pro191Ser (NM_001362877.2); short protein forms P182S, P164S, P173S, P191S.
Identifiers: ClinVar variation 2891649 (VCV002891649.3), dbSNP rs772788649, ClinGen allele CA10145987.

ClinVar aggregate classification (germline): Uncertain significance (1 of 4 stars; one submission).

Allele frequency attached by ClinVar (database versions not stated): gnomAD exomes below 0.00001; ExAC 0.00001; gnomAD 0.00001; TOPMed 0.00001.
gnomAD v4.1: 4 of 1,614,066 alleles (0.00025%); highest among the groups gnomAD compares: Non-Finnish European, 0.00034%; no homozygotes.

Submission:

Labcorp Genetics (formerly Invitae), Labcorp
Classification: Uncertain significance. Last evaluated: 2024-07-21. Review status: criteria provided, single submitter. Criteria: Invitae Variant Classification Sherloc (09022015). Collection method: clinical testing. Allele origin: germline.
Comment: This sequence change replaces proline, which is neutral and non-polar, with serine, which is neutral and polar, at codon 173 of the SMARCB1 protein (p.Pro173Ser). This variant is present in population databases (rs772788649, gnomAD 0.0009%). This variant has not been reported in the literature in individuals affected with SMARCB1-related conditions. Advanced modeling of protein sequence and biophysical properties (such as structural, functional, and spatial information, amino acid conservation, physicochemical variation, residue mobility, and thermodynamic stability) performed at Invitae indicates that this missense variant is not expected to disrupt SMARCB1 protein function with a negative predictive value of 80%. In summary, the available evidence is currently insufficient to determine the role of this variant in disease. Therefore, it has been classified as a Variant of Uncertain Significance.